The following is an entry in ClinVar:

ClinVar aggregate classification (germline): Pathogenic (1 of 4 stars; one submission).

Conditions:
Retinitis pigmentosa 73 (RP73). Identifiers: Orphanet 791, MedGen C4225287, MONDO:0014687, OMIM 616544.
Mucopolysaccharidosis, MPS-III-C (MPS3C). Also called: MPS IIIC (Sanfilippo Syndrome Type C); SANFILIPPO SYNDROME C; MPS III C; Mucopolysaccharidosis type IIIC (Sanfilippo C); MUCOPOLYSACCHARIDOSIS, TYPE IIIC; mucopolysaccharidosis type 3C. Identifiers: Orphanet 581, Orphanet 79271, MedGen C0086649, MONDO:0009657, OMIM 252930.

Submission:

Labcorp Genetics (formerly Invitae), Labcorp
Classification: Pathogenic for Retinitis pigmentosa 73; Mucopolysaccharidosis, MPS-III-C. Last evaluated: 2025-03-29. Review status: criteria provided, single submitter. Criteria: Invitae Variant Classification Sherloc (09022015). Collection method: clinical testing. Allele origin: germline.
Comment: This sequence change creates a premature translational stop signal (p.Trp272*) in the HGSNAT gene. It is expected to result in an absent or disrupted protein product. Loss-of-function variants in HGSNAT are known to be pathogenic (PMID: 17033958, 19479962, 25859010). This variant is not present in population databases (gnomAD no frequency). This variant has not been reported in the literature in individuals affected with HGSNAT-related conditions. For these reasons, this variant has been classified as Pathogenic.

Literature cited by the submitters: PubMed 17033958; PubMed 19479962; PubMed 25859010.

NM_152419.3(HGSNAT):c.816G>A (p.Trp272Ter)

Gene: HGSNAT (heparan-alpha-glucosaminide N-acetyltransferase; plus strand). Cytogenetic location: 8p11.21.
Variant type: single nucleotide variant.
Coding change: c.816G>A on transcript NM_152419.3 (MANE Select); coding-DNA position 816, G replaced by A.
Protein change: p.Trp272Ter; replaces tryptophan 272 with a stop codon.
Molecular consequence: nonsense. On other transcripts: 5 prime UTR variant (1).
Genome position (GRCh38, 1-based): chr8:43,172,382, G>A. VCF-style: chr8-43172382-G-A. GRCh37 (hg19) VCF-style: chr8-43027525-G-A.
Other names: c.816G>A, p.Trp272Ter (NM_001363227.2, NM_001363228.2); c.-18G>A (NM_001363229.2); short protein forms W272*.
Identifiers: ClinVar variation 4784515 (VCV004784515.1).
Genomic context (GRCh38, chr8:43,172,382, plus strand): 5'-ACTCATGGTCTTTGTCAATTATGGAGGAGGAAAATATTGGTACTTCAAACATGCAAGTTG[G>A]AATGGTAAGATATTTCCTAAAAGTAATGTTGCTTATATACGTCCTTCACAGAGCTTCAGG-3'